The following is an entry in ClinVar:

ClinVar aggregate classification (germline): Conflicting classifications of pathogenicity. Review status: criteria provided, conflicting classifications (1 of 4 stars). 4 submissions from 4 submitters: Uncertain significance (3); Likely benign (1). Last evaluated 2026-01-21.

Conditions:
Arrhythmogenic cardiomyopathy with wooly hair and keratoderma. Also called: PALMOPLANTAR KERATODERMA WITH LEFT VENTRICULAR CARDIOMYOPATHY AND WOOLLY HAIR; Carvajal syndrome; Dilated cardiomyopathy with woolly hair and keratoderma; Arrhythmogenic cardiomyopathy with woolly hair and keratoderma. Identifiers: Orphanet 65282, MedGen C1854063, MONDO:0011581, OMIM 605676.
Arrhythmogenic right ventricular dysplasia 8 (ARVD8). Also called: Arrhythmogenic Right Ventricular Dysplasia/Cardiomyopathy 8; ARRHYTHMOGENIC RIGHT VENTRICULAR DYSPLASIA, FAMILIAL, 8; ARRHYTHMOGENIC RIGHT VENTRICULAR CARDIOMYOPATHY 8. Identifiers: MedGen C1843896, MONDO:0011831, OMIM 607450.
Cardiovascular phenotype. Identifiers: MedGen CN230736.
Cardiomyopathy (CMYO). Also called: Cardiomyopathies. Identifiers: Orphanet 167848, MedGen C0878544, MONDO:0004994, HP:0001638. Inheritance: Various modes of inheritance.

Allele frequency attached by ClinVar (database versions not stated): ExAC 0.00001; gnomAD exomes 0.00001 and 0.00004; gnomAD 0.00002.
gnomAD v4.1: 59 of 1,611,692 alleles (0.0037%); highest among the groups gnomAD compares: Non-Finnish European, 0.0049%; no homozygotes.

Submissions (4):

Labcorp Genetics (formerly Invitae), Labcorp
Classification: Likely benign for Arrhythmogenic cardiomyopathy with wooly hair and keratoderma; Arrhythmogenic right ventricular dysplasia 8. Last evaluated: 2026-01-21. Review status: criteria provided, single submitter. Criteria: Invitae Variant Classification Sherloc (09022015). Collection method: clinical testing. Allele origin: germline.

Color Diagnostics, LLC DBA Color Health
Classification: Uncertain significance for Cardiomyopathy. Last evaluated: 2024-03-06. Review status: criteria provided, single submitter. Criteria: ACMG Guidelines, 2015. Collection method: clinical testing. Allele origin: germline.
Comment: This missense variant replaces cysteine with tyrosine at codon 954 of the DSP protein. Computational prediction suggests that this variant may not impact protein structure and function (internally defined REVEL score threshold <= 0.5, PMID: 27666373). To our knowledge, functional studies have not been reported for this variant. This variant has not been reported in individuals affected with DSP-related disorders in the literature. This variant has been identified in 4/280978 chromosomes in the general population by the Genome Aggregation Database (gnomAD). The available evidence is insufficient to determine the role of this variant in disease conclusively. Therefore, this variant is classified as a Variant of Uncertain Significance.

Revvity Omics, Revvity
Classification: Uncertain significance. Last evaluated: 2023-12-01. Review status: criteria provided, single submitter. Criteria: ACMG Guidelines, 2015. Collection method: clinical testing. Allele origin: germline.

Ambry Genetics
Classification: Uncertain significance for Cardiovascular phenotype. Last evaluated: 2021-10-26. Review status: criteria provided, single submitter. Criteria: Ambry Variant Classification Scheme 2023. Collection method: clinical testing. Allele origin: germline.
Comment: The p.C954Y variant (also known as c.2861G>A), located in coding exon 20 of the DSP gene, results from a G to A substitution at nucleotide position 2861. The cysteine at codon 954 is replaced by tyrosine, an amino acid with highly dissimilar properties. This amino acid position is highly conserved in available vertebrate species. In addition, the in silico prediction for this alteration is inconclusive. Since supporting evidence is limited at this time, the clinical significance of this alteration remains unclear.

NM_004415.4(DSP):c.2861G>A (p.Cys954Tyr)

Gene: DSP (desmoplakin; plus strand). Cytogenetic location: 6p24.3.
Variant type: single nucleotide variant.
Coding change: c.2861G>A on transcript NM_004415.4 (MANE Select); coding-DNA position 2861, G replaced by A.
Protein change: p.Cys954Tyr; replaces cysteine 954 with tyrosine.
Molecular consequence: missense variant.
Genome position (GRCh38, 1-based): chr6:7,577,026, G>A. VCF-style: chr6-7577026-G-A. GRCh37 (hg19) VCF-style: chr6-7577259-G-A.
Other names: c.2861G>A, p.Cys954Tyr (NM_001008844.3, NM_001319034.2); short protein forms C954Y.
Identifiers: ClinVar variation 921133 (VCV000921133.14), dbSNP rs779878192, ClinGen allele CA035786.